The following is an entry in ClinVar:

ClinVar aggregate classification (germline): Uncertain significance. Review status: criteria provided, multiple submitters, no conflicts (2 of 4 stars). 2 submissions from 2 submitters: Uncertain significance (2). Last evaluated 2024-05-20.

Conditions:
Hereditary cancer-predisposing syndrome. Also called: Hereditary neoplastic syndrome; Neoplastic Syndromes, Hereditary; Tumor predisposition; Hereditary Cancer Syndrome. Identifiers: Orphanet 140162, MedGen C0027672, MeSH D009386, MONDO:0015356.

Allele frequency attached by ClinVar (database versions not stated): gnomAD exomes 0.00001 and 0.00002; ExAC 0.00004.
gnomAD v4.1: 14 of 1,613,726 alleles (0.00087%); highest among the groups gnomAD compares: Non-Finnish European, 0.0012%; no homozygotes.

Submissions (2):

Ambry Genetics
Classification: Uncertain significance for Hereditary cancer-predisposing syndrome. Last evaluated: 2024-05-20. Review status: criteria provided, single submitter. Criteria: Ambry Variant Classification Scheme 2023. Collection method: clinical testing. Allele origin: germline.
Comment: The p.L754M variant (also known as c.2260C>A), located in coding exon 14 of the RAD50 gene, results from a C to A substitution at nucleotide position 2260. The leucine at codon 754 is replaced by methionine, an amino acid with highly similar properties. This amino acid position is highly conserved in available vertebrate species. In addition, this alteration is predicted to be tolerated by in silico analysis. Based on the available evidence, the clinical significance of this variant remains unclear.

Labcorp Genetics (formerly Invitae), Labcorp
Classification: Uncertain significance for Hereditary cancer-predisposing syndrome. Last evaluated: 2024-04-30. Review status: criteria provided, single submitter. Criteria: Invitae Variant Classification Sherloc (09022015). Collection method: clinical testing. Allele origin: germline.
Comment: This sequence change replaces leucine, which is neutral and non-polar, with methionine, which is neutral and non-polar, at codon 754 of the RAD50 protein (p.Leu754Met). This variant is present in population databases (rs756003599, gnomAD 0.004%). This variant has not been reported in the literature in individuals affected with RAD50-related conditions. ClinVar contains an entry for this variant (Variation ID: 185613). Advanced modeling of protein sequence and biophysical properties (such as structural, functional, and spatial information, amino acid conservation, physicochemical variation, residue mobility, and thermodynamic stability) performed at Invitae indicates that this missense variant is expected to disrupt RAD50 protein function with a positive predictive value of 80%. In summary, the available evidence is currently insufficient to determine the role of this variant in disease. Therefore, it has been classified as a Variant of Uncertain Significance.

NM_005732.4(RAD50):c.2260C>A (p.Leu754Met)

Gene: RAD50 (RAD50 double strand break repair protein; plus strand). Cytogenetic location: 5q31.1.
Variant type: single nucleotide variant.
Coding change: c.2260C>A on transcript NM_005732.4 (MANE Select); coding-DNA position 2260, C replaced by A.
Protein change: p.Leu754Met; replaces leucine 754 with methionine.
Molecular consequence: missense variant.
Genome position (GRCh38, 1-based): chr5:132,603,352, C>A. VCF-style: chr5-132603352-C-A. GRCh37 (hg19) VCF-style: chr5-131939044-C-A.
Other names: short protein forms L754M.
Identifiers: ClinVar variation 185613 (VCV000185613.15), dbSNP rs756003599, ClinGen allele CA192417.